The following is an entry in ClinVar:

NM_000064.4(C3):c.4265C>A (p.Ala1422Asp)

Gene: C3 (complement C3; minus strand). Cytogenetic location: 19p13.3.
Variant type: single nucleotide variant.
Coding change: c.4265C>A on transcript NM_000064.4 (MANE Select); coding-DNA position 4265, C replaced by A.
Protein change: p.Ala1422Asp; replaces alanine 1422 with aspartic acid.
Molecular consequence: missense variant.
Genome position (GRCh38, 1-based): chr19:6,682,026, G>T on the plus strand (C>A on the coding strand, the complement: C3 is on the minus strand). VCF-style: chr19-6682026-G-T. GRCh37 (hg19) VCF-style: chr19-6682037-G-T.
Other names: short protein forms A1422D.
Identifiers: ClinVar variation 4772375 (VCV004772375.1).
Genomic context (GRCh38, chr19:6,682,026, plus strand): 5'-TTCCTATCGGAGAAGGCTTTGTCCAGCTCATACTTGGAGATGTATCTGTCAACACCATTG[G>T]CCAGCTGGGGAAAGGTGGAGCCTGTGAAAAATCCCTCCTGGACCCCTCTCTCCCTGCAGC-3'
Protein context (NP_000055.2, residues 1412-1432): APDTDDLKQL[Ala1422Asp]NGVDRYISKY

ClinVar aggregate classification (germline): Uncertain significance (1 of 4 stars; one submission).

gnomAD v4.1: 4 of 1,613,662 alleles (0.00025%); highest among the groups gnomAD compares: Non-Finnish European, 0.00025%; no homozygotes.

Submission:

Labcorp Genetics (formerly Invitae), Labcorp
Classification: Uncertain significance. Last evaluated: 2025-09-17. Review status: criteria provided, single submitter. Criteria: Invitae Variant Classification Sherloc (09022015). Collection method: clinical testing. Allele origin: germline.
Comment: This sequence change replaces alanine, which is neutral and non-polar, with aspartic acid, which is acidic and polar, at codon 1422 of the C3 protein (p.Ala1422Asp). This variant is present in population databases (rs377358917, gnomAD 0.003%). This variant has not been reported in the literature in individuals affected with C3-related conditions. Invitae Evidence Modeling of protein sequence and biophysical properties (such as structural, functional, and spatial information, amino acid conservation, physicochemical variation, residue mobility, and thermodynamic stability) has been performed for this missense variant. However, the output from this modeling did not meet the statistical confidence thresholds required to predict the impact of this variant on C3 protein function. In summary, the available evidence is currently insufficient to determine the role of this variant in disease. Therefore, it has been classified as a Variant of Uncertain Significance.